The following is an entry in ClinVar:

NM_138395.4(MARS2):c.60C>T (p.Leu20=)

Gene: MARS2 (methionyl-tRNA synthetase 2, mitochondrial; plus strand). Cytogenetic location: 2q33.1.
Variant type: single nucleotide variant.
Coding change: c.60C>T on transcript NM_138395.4 (MANE Select); coding-DNA position 60, C replaced by T.
Protein change: p.Leu20=; no amino-acid change (leucine 20 retained).
Molecular consequence: synonymous variant.
Genome position (GRCh38, 1-based): chr2:197,705,465, C>T. VCF-style: chr2-197705465-C-T. GRCh37 (hg19) VCF-style: chr2-198570189-C-T.
Identifiers: ClinVar variation 516163 (VCV000516163.20), dbSNP rs201033319, ClinGen allele CA2044500.

ClinVar aggregate classification (germline): Benign/Likely benign. Review status: criteria provided, multiple submitters, no conflicts (2 of 4 stars). 5 submissions from 5 submitters: Benign (1); Likely benign (2). 2 of the submissions do not count toward it. Last evaluated 2026-01-20.

Conditions:
MARS2-related disorder. Also called: MARS2-related condition.

Allele frequency attached by ClinVar (database versions not stated): gnomAD exomes 0.00006 and 0.00029; gnomAD 0.00011; TOPMed 0.00015; ExAC 0.00020; 1000 Genomes Project 30x 0.00047; 1000 Genomes Project 0.00060.
gnomAD v4.1: 205 of 1,612,956 alleles (0.013%); highest among the groups gnomAD compares: East Asian, 0.18%; 2 homozygotes.

Submissions (5):

Labcorp Genetics (formerly Invitae), Labcorp
Classification: Benign. Last evaluated: 2026-01-20. Review status: criteria provided, single submitter. Criteria: Invitae Variant Classification Sherloc (09022015). Collection method: clinical testing. Allele origin: germline.

Blueprint Genetics
Classification: Likely benign. Last evaluated: 2024-10-17. Review status: criteria provided, single submitter. Criteria: ACMG Guidelines, 2015. Collection method: clinical testing. Allele origin: germline.

GeneDx
Classification: Likely benign. Last evaluated: 2019-03-05. Review status: criteria provided, single submitter. Criteria: GeneDx Variant Classification Process June 2021. Collection method: clinical testing. Allele origin: germline. Affected: yes.

PreventionGenetics, part of Exact Sciences
Classification: Likely benign for MARS2-related condition. Last evaluated: 2019-12-02. Review status: no assertion criteria provided. Collection method: clinical testing. Allele origin: germline. Not counted in ClinVar's aggregate classification.
Comment: This variant is classified as likely benign based on ACMG/AMP sequence variant interpretation guidelines (Richards et al. 2015 PMID: 25741868, with internal and published modifications).

Mayo Clinic Laboratories, Mayo Clinic
Classification: Likely benign. Last evaluated: 2017-12-28. Review status: no assertion criteria provided. Collection method: clinical testing. Allele origin: unknown. Not counted in ClinVar's aggregate classification.